The following is an entry in ClinVar:

NM_006231.4(POLE):c.2085C>G (p.Phe695Leu)

Gene: POLE (DNA polymerase epsilon, catalytic subunit; minus strand). Cytogenetic location: 12q24.33.
Variant type: single nucleotide variant.
Coding change: c.2085C>G on transcript NM_006231.4 (MANE Select); coding-DNA position 2085, C replaced by G.
Protein change: p.Phe695Leu; replaces phenylalanine 695 with leucine.
Molecular consequence: missense variant.
Genome position (GRCh38, 1-based): chr12:132,668,444, G>C on the plus strand (C>G on the coding strand, the complement: POLE is on the minus strand). VCF-style: chr12-132668444-G-C. GRCh37 (hg19) VCF-style: chr12-133245030-G-C.
Other names: short protein forms F695L.
Identifiers: ClinVar variation 1931793 (VCV001931793.2), dbSNP rs1060500837, ClinGen allele CA387354095.
Genomic context (GRCh38, chr12:132,668,444, plus strand): 5'-CTGTTCCTCGCGGGACAGTTCATGAAAGGCCCGAGCTGGCCCCTCTGGGAACAAGGGGGG[G>C]AACTTCTCTGACTCCAGCTGGTGCTGGATCCGATGGTATTCGCTGCGACTGGCTGGCACT-3'
Protein context (NP_006222.2, residues 685-705): RIQHQLESEK[Phe695Leu]PPLFPEGPAR

ClinVar aggregate classification (germline): Uncertain significance (1 of 4 stars; one submission).

Conditions:
Colorectal cancer, susceptibility to, 12 (CRCS12). Also called: COLORECTAL CANCER, SUSCEPTIBILITY TO, ON CHROMOSOME 12q24. Identifiers: Orphanet 220460, MedGen C3554460, MONDO:0014038, OMIM 615083.

Submission:

Labcorp Genetics (formerly Invitae), Labcorp
Classification: Uncertain significance for Colorectal cancer, susceptibility to, 12. Last evaluated: 2022-09-07. Review status: criteria provided, single submitter. Criteria: Invitae Variant Classification Sherloc (09022015). Collection method: clinical testing. Allele origin: germline.
Comment: This sequence change replaces phenylalanine, which is neutral and non-polar, with leucine, which is neutral and non-polar, at codon 695 of the POLE protein (p.Phe695Leu). This variant is not present in population databases (gnomAD no frequency). This variant has not been reported in the literature in individuals affected with POLE-related conditions. Algorithms developed to predict the effect of missense changes on protein structure and function are either unavailable or do not agree on the potential impact of this missense change (SIFT: "Deleterious"; PolyPhen-2: "Benign"; Align-GVGD: "Class C15"). In summary, the available evidence is currently insufficient to determine the role of this variant in disease. Therefore, it has been classified as a Variant of Uncertain Significance.